The following is an entry in ClinVar:

ClinVar aggregate classification (germline): Uncertain significance. Review status: criteria provided, multiple submitters, no conflicts (2 of 4 stars). 2 submissions from 2 submitters: Uncertain significance (2). Last evaluated 2026-03-06.

Conditions:
Hereditary cancer-predisposing syndrome. Also called: Tumor predisposition; Hereditary Cancer Syndrome; Hereditary neoplastic syndrome; Neoplastic Syndromes, Hereditary. Identifiers: Orphanet 140162, MedGen C0027672, MeSH D009386, MONDO:0015356.
POLD1-related polyposis and colorectal cancer syndrome (CRCS10). Also called: Colorectal cancer 10; COLORECTAL CANCER, SUSCEPTIBILITY TO, ON CHROMOSOME 19q; Colorectal cancer, susceptibility to, 10. Identifiers: Orphanet 220460, MedGen C2675481, MONDO:0012953, OMIM 612591.

Submissions (2):

Ambry Genetics
Classification: Uncertain significance for Hereditary cancer-predisposing syndrome. Last evaluated: 2026-03-06. Review status: criteria provided, single submitter. Criteria: Ambry Variant Classification Scheme 2023. Collection method: clinical testing. Allele origin: germline.
Comment: The p.S815C variant (also known as c.2444C>G), located in coding exon 19 of the POLD1 gene, results from a C to G substitution at nucleotide position 2444. The serine at codon 815 is replaced by cysteine, an amino acid with dissimilar properties. This amino acid position is conserved. In addition, this alteration is predicted to be tolerated by in silico analysis. Based on the available evidence, the clinical significance of this variant remains unclear.

Labcorp Genetics (formerly Invitae), Labcorp
Classification: Uncertain significance for POLD1-related polyposis and colorectal cancer syndrome. Last evaluated: 2022-07-06. Review status: criteria provided, single submitter. Criteria: Invitae Variant Classification Sherloc (09022015). Collection method: clinical testing. Allele origin: germline.
Comment: In summary, the available evidence is currently insufficient to determine the role of this variant in disease. Therefore, it has been classified as a Variant of Uncertain Significance. Algorithms developed to predict the effect of missense changes on protein structure and function are either unavailable or do not agree on the potential impact of this missense change (SIFT: "Deleterious"; PolyPhen-2: "Benign"; Align-GVGD: "Class C0"). ClinVar contains an entry for this variant (Variation ID: 1053042). This variant has not been reported in the literature in individuals affected with POLD1-related conditions. This variant is not present in population databases (gnomAD no frequency). This sequence change replaces serine, which is neutral and polar, with cysteine, which is neutral and slightly polar, at codon 815 of the POLD1 protein (p.Ser815Cys).

NM_002691.4(POLD1):c.2444C>G (p.Ser815Cys)

Gene: POLD1 (DNA polymerase delta 1, catalytic subunit; plus strand). Cytogenetic location: 19q13.33.
Variant type: single nucleotide variant.
Coding change: c.2444C>G on transcript NM_002691.4 (MANE Select); coding-DNA position 2444, C replaced by G.
Protein change: p.Ser815Cys; replaces serine 815 with cysteine.
Molecular consequence: missense variant. On other transcripts: non-coding transcript variant (1).
Genome position (GRCh38, 1-based): chr19:50,414,870, C>G. VCF-style: chr19-50414870-C-G. GRCh37 (hg19) VCF-style: chr19-50918127-C-G.
Other names: c.2444C>G, p.Ser815Cys (NM_001256849.1); c.2522C>G, p.Ser841Cys (NM_001308632.1); c.2444C>G (NM_002691.2); short protein forms S815C, S841C.
Identifiers: ClinVar variation 1053042 (VCV001053042.11), dbSNP rs2122465115, ClinGen allele CA406984744.